The following is an entry in ClinVar:

ClinVar aggregate classification (germline): Benign. Review status: criteria provided, multiple submitters, no conflicts (2 of 4 stars). 3 submissions from 3 submitters: Benign (2). 1 of the submissions does not count toward it. Last evaluated 2019-12-31.

Conditions:
MID2-related disorder. Also called: MID2-related condition.

Allele frequency attached by ClinVar (database versions not stated): gnomAD 0.00004 and 0.00028; TOPMed 0.00012; gnomAD exomes 0.00071 and 0.00129; ExAC 0.00148; 1000 Genomes Project 30x 0.00208; 1000 Genomes Project 0.00238.
gnomAD v4.1: 796 of 1,206,624 alleles (0.066%); highest among the groups gnomAD compares: South Asian, 1.4%; 9 homozygotes.

Submissions (3):

Labcorp Genetics (formerly Invitae), Labcorp
Classification: Benign. Last evaluated: 2019-12-31. Review status: criteria provided, single submitter. Criteria: Invitae Variant Classification Sherloc (09022015). Collection method: clinical testing. Allele origin: germline.

Breakthrough Genomics
Classification: Benign. Review status: criteria provided, single submitter. Criteria: ACMG Guidelines, 2015. Collection method: not provided. Allele origin: germline. Inheritance: X-linked inheritance. Affected: yes.

PreventionGenetics, part of Exact Sciences
Classification: Benign for MID2-related condition. Last evaluated: 2019-07-01. Review status: no assertion criteria provided. Collection method: clinical testing. Allele origin: germline. Not counted in ClinVar's aggregate classification.
Comment: This variant is classified as benign based on ACMG/AMP sequence variant interpretation guidelines (Richards et al. 2015 PMID: 25741868, with internal and published modifications).

NM_012216.4(MID2):c.1028A>G (p.Asn343Ser)

Genes: MID2 (midline 2; plus strand), LOC101928335 (uncharacterized LOC101928335; minus strand). Cytogenetic location: Xq22.3.
Variant type: single nucleotide variant.
Coding change: c.1028A>G on transcript NM_012216.4 (MANE Select); coding-DNA position 1028, A replaced by G.
Protein change: p.Asn343Ser; replaces asparagine 343 with serine.
Molecular consequence: missense variant.
Genome position (GRCh38, 1-based): chrX:107,905,581, A>G. VCF-style: chrX-107905581-A-G. GRCh37 (hg19) VCF-style: chrX-107148811-A-G.
Other names: c.1028A>G, p.Asn343Ser (NM_052817.3); short protein forms N343S.
Identifiers: ClinVar variation 730148 (VCV000730148.7), dbSNP rs551253128, ClinGen allele CA10486107.
Genomic context (GRCh38, chrX:107,905,581, plus strand): 5'-GCCAGTGTCTTGAACGGTCAACAGTCCTCATCAACCAAGCTGAGCATATCCTGAAAGAAA[A>G]TGACCAGGCACGGTTTCTACAGTCTGCAAAAAATATTGCTGAGAGGTCAGTTCCTTATAT-3'
Protein context (NP_036348.2, residues 333-353): INQAEHILKE[Asn343Ser]DQARFLQSAK